The following is an entry in ClinVar:

NM_000642.3(AGL):c.4539C>T (p.Phe1513=)

Gene: AGL (amylo-alpha-1,6-glucosidase and 4-alpha-glucanotransferase; plus strand). Cytogenetic location: 1p21.2.
Variant type: single nucleotide variant.
Coding change: c.4539C>T on transcript NM_000642.3 (MANE Select); coding-DNA position 4539, C replaced by T.
Protein change: p.Phe1513=; no amino-acid change (phenylalanine 1513 retained).
Molecular consequence: synonymous variant.
Genome position (GRCh38, 1-based): chr1:99,921,591, C>T. VCF-style: chr1-99921591-C-T. GRCh37 (hg19) VCF-style: chr1-100387147-C-T.
Other names: p.Phe1513=; c.4539C>T, p.Phe1513= (NM_000028.3, NM_000643.3, NM_000644.3 and 1 more transcripts); c.4491C>T, p.Phe1497= (NM_000646.3); c.4518C>T, p.Phe1506= (NM_001425326.1); c.4338C>T, p.Phe1446= (NM_001425327.1); c.4335C>T, p.Phe1445= (NM_001425328.1); c.4200C>T, p.Phe1400= (NM_001425329.1); c.4161C>T, p.Phe1387= (NM_001425332.1).
Identifiers: ClinVar variation 391085 (VCV000391085.9), dbSNP rs752519483, ClinGen allele CA967470.

ClinVar aggregate classification (germline): Likely benign. Review status: criteria provided, multiple submitters, no conflicts (2 of 4 stars). 4 submissions from 4 submitters: Likely benign (4). Last evaluated 2026-02-02.

Conditions:
Glycogen storage disease type III (GSD3). Also called: FORBES DISEASE; Cori disease. Identifiers: Orphanet 366, MedGen C0017922, MONDO:0009291, OMIM 232400.

Allele frequency attached by ClinVar (database versions not stated): gnomAD exomes below 0.00001; ExAC 0.00001; gnomAD 0.00002; TOPMed 0.00002.
gnomAD v4.1: 7 of 1,613,022 alleles (0.00043%); highest among the groups gnomAD compares: East Asian, 0.0022%; no homozygotes.

Submissions (4):

Labcorp Genetics (formerly Invitae), Labcorp
Classification: Likely benign for Glycogen storage disease type III. Last evaluated: 2026-02-02. Review status: criteria provided, single submitter. Criteria: Invitae Variant Classification Sherloc (09022015). Collection method: clinical testing. Allele origin: germline.

Mayo Clinic Laboratories, Mayo Clinic
Classification: Likely benign. Last evaluated: 2025-02-18. Review status: criteria provided, single submitter. Criteria: ACMG Guidelines, 2015. Collection method: clinical testing. Allele origin: germline. Observed: 1 variant allele.
Comment: BP4, BP7, PM2_supporting

Genome-Nilou Lab
Classification: Likely benign for Glycogen storage disease type III. Last evaluated: 2023-04-11. Review status: criteria provided, single submitter. Criteria: ACMG Guidelines, 2015. Collection method: clinical testing. Allele origin: germline. Affected: no.

GeneDx
Classification: Likely benign. Last evaluated: 2016-12-02. Review status: criteria provided, single submitter. Criteria: GeneDx Variant Classification (06012015). Collection method: clinical testing. Allele origin: germline. Affected: yes.
Comment: This variant is considered likely benign or benign based on one or more of the following criteria: it is a conservative change, it occurs at a poorly conserved position in the protein, it is predicted to be benign by multiple in silico algorithms, and/or has population frequency not consistent with disease.